The following is an entry in ClinVar:

NM_005862.3(STAG1):c.2170A>G (p.Ile724Val)

Gene: STAG1 (STAG1 cohesin complex component; minus strand). Cytogenetic location: 3q22.3.
Variant type: single nucleotide variant.
Coding change: c.2170A>G on transcript NM_005862.3 (MANE Select); coding-DNA position 2170, A replaced by G.
Protein change: p.Ile724Val; replaces isoleucine 724 with valine.
Molecular consequence: missense variant.
Genome position (GRCh38, 1-based): chr3:136,417,911, T>C on the plus strand (A>G on the coding strand, the complement: STAG1 is on the minus strand). VCF-style: chr3-136417911-T-C. GRCh37 (hg19) VCF-style: chr3-136136753-T-C.
Other names: short protein forms I724V.
Identifiers: ClinVar variation 1343341 (VCV001343341.4), dbSNP rs1576445940, ClinGen allele CA354642656.
Genomic context (GRCh38, chr3:136,417,911, plus strand): 5'-GAGTCATACAGAAGGAATACCAATAAACTCCTACCTGTTCTGGCATGGCTCCATGTTCAA[T>C]TCCAGTCTTCAATAATCTGTAGCAATTACCAAAGAGATCCCATTTTGTGAGATCATGTGC-3'
Protein context (NP_005853.2, residues 714-734): GNCYRLLKTG[Ile724Val]EHGAMPEQIV

ClinVar aggregate classification (germline): Uncertain significance. Review status: criteria provided, multiple submitters, no conflicts (2 of 4 stars). 2 submissions from 2 submitters: Uncertain significance (2). Last evaluated 2024-04-24.

Conditions:
Intellectual developmental disorder, autosomal dominant 47. Also called: MENTAL RETARDATION, AUTOSOMAL DOMINANT 47; Intellectual disability, autosomal dominant 47. Identifiers: Orphanet 502434, MedGen C4539951, MONDO:0030912, OMIM 617635.

Allele frequency attached by ClinVar (database versions not stated): gnomAD exomes below 0.00001.
gnomAD v4.1: 8 of 1,614,008 alleles (0.0005%); highest among the groups gnomAD compares: African/African-American, 0.0027%; no homozygotes.

Submissions (2):

Labcorp Genetics (formerly Invitae), Labcorp
Classification: Uncertain significance. Last evaluated: 2024-04-24. Review status: criteria provided, single submitter. Criteria: Invitae Variant Classification Sherloc (09022015). Collection method: clinical testing. Allele origin: germline.
Comment: This sequence change replaces isoleucine, which is neutral and non-polar, with valine, which is neutral and non-polar, at codon 724 of the STAG1 protein (p.Ile724Val). This variant is not present in population databases (gnomAD no frequency). This variant has not been reported in the literature in individuals affected with STAG1-related conditions. ClinVar contains an entry for this variant (Variation ID: 1343341). Advanced modeling of protein sequence and biophysical properties (such as structural, functional, and spatial information, amino acid conservation, physicochemical variation, residue mobility, and thermodynamic stability) performed at Invitae indicates that this missense variant is not expected to disrupt STAG1 protein function with a negative predictive value of 80%. In summary, the available evidence is currently insufficient to determine the role of this variant in disease. Therefore, it has been classified as a Variant of Uncertain Significance.

Institute of Human Genetics, University of Goettingen
Classification: Uncertain significance for Intellectual developmental disorder, autosomal dominant 47. Last evaluated: 2022-03-09. Review status: criteria provided, single submitter. Criteria: ACMG Guidelines, 2015. Collection method: clinical testing. Allele origin: maternal. Inheritance: Autosomal dominant inheritance. Affected: yes. Observed: 1 heterozygote.